The following is an entry in ClinVar:

ClinVar aggregate classification (germline): Conflicting classifications of pathogenicity. Review status: criteria provided, conflicting classifications (1 of 4 stars). 8 submissions from 6 submitters: Uncertain significance (4); Benign (2); Likely benign (1). 1 of the submissions does not count toward it. Last evaluated 2025-01-15.

Conditions:
Inborn genetic diseases. Identifiers: MedGen C0950123, MeSH D030342.
Familial Mediterranean fever (FMF). Also called: POLYSEROSITIS, FAMILIAL PAROXYSMAL; POLYSEROSITIS, RECURRENT; Periodic peritonitis; Benign paroxysmal peritonitis. Identifiers: Orphanet 342, MedGen C0031069, MONDO:0018088, OMIM 249100. Disease mechanism: gain of function.
Familial Mediterranean fever, autosomal dominant. Also called: FMF, AUTOSOMAL DOMINANT; Dominant Familial Mediterranean Fever. Identifiers: Orphanet 342, MedGen C1851347, MONDO:0007601, OMIM 134610.
Acute febrile neutrophilic dermatosis (AFND). Also called: Sweet Syndrome; Gomm Button disease. Identifiers: Orphanet 3243, MedGen C0085077, MONDO:0011959, OMIM 608068.

Allele frequency attached by ClinVar (database versions not stated): TOPMed 0.00002.
gnomAD v4.1: 62 of 1,555,032 alleles (0.004%); highest among the groups gnomAD compares: Non-Finnish European, 0.0052%; no homozygotes.

Submissions (8):

Labcorp Genetics (formerly Invitae), Labcorp
Classification: Uncertain significance for Familial Mediterranean fever. Last evaluated: 2025-01-15. Review status: criteria provided, single submitter. Criteria: Invitae Variant Classification Sherloc (09022015). Collection method: clinical testing. Allele origin: germline.
Comment: This sequence change replaces proline, which is neutral and non-polar, with leucine, which is neutral and non-polar, at codon 183 of the MEFV protein (p.Pro183Leu). The frequency data for this variant in the population databases is considered unreliable, as metrics indicate poor data quality at this position in the gnomAD database. This variant has not been reported in the literature in individuals affected with MEFV-related conditions. ClinVar contains an entry for this variant (Variation ID: 850658). An algorithm developed to predict the effect of missense changes on protein structure and function outputs the following: PolyPhen-2: "Benign". The leucine amino acid residue is found in multiple mammalian species, which suggests that this missense change does not adversely affect protein function. In summary, the available evidence is currently insufficient to determine the role of this variant in disease. Therefore, it has been classified as a Variant of Uncertain Significance.

Genome-Nilou Lab
Classification: Likely benign for Familial Mediterranean fever. Last evaluated: 2023-02-08. Review status: criteria provided, single submitter. Criteria: ACMG Guidelines, 2015. Collection method: clinical testing. Allele origin: germline.

Genome-Nilou Lab
Classification: Benign for Familial Mediterranean fever, autosomal dominant. Last evaluated: 2023-02-08. Review status: criteria provided, single submitter. Criteria: ACMG Guidelines, 2015. Collection method: clinical testing. Allele origin: germline.

Genome-Nilou Lab
Classification: Benign for Acute febrile neutrophilic dermatosis. Last evaluated: 2023-02-08. Review status: criteria provided, single submitter. Criteria: ACMG Guidelines, 2015. Collection method: clinical testing. Allele origin: germline.

Fulgent Genetics
Classification: Uncertain significance for Familial Mediterranean fever, autosomal dominant; Familial Mediterranean fever; Acute febrile neutrophilic dermatosis. Last evaluated: 2022-04-08. Review status: criteria provided, single submitter. Criteria: ACMG Guidelines, 2015. Collection method: clinical testing. Allele origin: unknown.

Ambry Genetics
Classification: Uncertain significance for Inborn genetic diseases. Last evaluated: 2021-08-31. Review status: criteria provided, single submitter. Criteria: Ambry Variant Classification Scheme 2023. Collection method: clinical testing. Allele origin: germline.
Comment: The p.P183L variant (also known as c.548C>T), located in coding exon 2 of the MEFV gene, results from a C to T substitution at nucleotide position 548. The proline at codon 183 is replaced by leucine, an amino acid with similar properties. This amino acid position is conserved. In addition, in silico predictors for this gene do not accurately predict pathogenicity. Since supporting evidence is limited at this time, the clinical significance of this alteration remains unclear.

Illumina Laboratory Services, Illumina
Classification: Uncertain significance for Familial Mediterranean fever. Last evaluated: 2018-01-13. Review status: criteria provided, single submitter. Criteria: ICSL Variant Classification Criteria 13 December 2019. Collection method: clinical testing. Allele origin: germline.

Natera, Inc.
Classification: Uncertain significance for Familial Mediterranean fever. Last evaluated: 2020-09-16. Review status: no assertion criteria provided. Collection method: clinical testing. Allele origin: germline. Not counted in ClinVar's aggregate classification.

NM_000243.3(MEFV):c.548C>T (p.Pro183Leu)

Gene: MEFV (MEFV innate immunity regulator, pyrin; minus strand). Cytogenetic location: 16p13.3.
Variant type: single nucleotide variant.
Coding change: c.548C>T on transcript NM_000243.3 (MANE Select); coding-DNA position 548, C replaced by T.
Protein change: p.Pro183Leu; replaces proline 183 with leucine.
Molecular consequence: missense variant. On other transcripts: intron variant (1).
Genome position (GRCh38, 1-based): chr16:3,254,520, G>A on the plus strand (C>T on the coding strand, the complement: MEFV is on the minus strand). VCF-style: chr16-3254520-G-A. GRCh37 (hg19) VCF-style: chr16-3304520-G-A.
Other names: c.277+1791C>T (NM_001198536.2); short protein forms P183L.
Identifiers: ClinVar variation 850658 (VCV000850658.16), dbSNP rs777009752, ClinGen allele CA7860399.
Genomic context (GRCh38, chr16:3,254,520, plus strand): 5'-AGCCGGACCTCGGCCTGGCCCCCCTCTAGCGCCCTGCAGGGGCCGGGGCTTCTCCCGCCC[G>A]GCAGGGCCGGGCTCCGGGTCCGAGGCTTGCCCTGCGCGTCCAGGCCCTCCGAGGCCTTCT-3'
Protein context (NP_000234.1, residues 173-193): GKPRTRSPAL[Pro183Leu]GGRSPGPCRA